The following is an entry in ClinVar:

ClinVar aggregate classification (germline): Uncertain significance (1 of 4 stars; one submission).

Allele frequency attached by ClinVar (database versions not stated): ExAC 0.00005.

Submission:

Labcorp Genetics (formerly Invitae), Labcorp
Classification: Uncertain significance. Last evaluated: 2023-12-05. Review status: criteria provided, single submitter. Criteria: Invitae Variant Classification Sherloc (09022015). Collection method: clinical testing. Allele origin: germline.
Comment: This sequence change replaces serine, which is neutral and polar, with isoleucine, which is neutral and non-polar, at codon 327 of the PLEKHM2 protein (p.Ser327Ile). The frequency data for this variant in the population databases is considered unreliable, as metrics indicate poor data quality at this position in the gnomAD database. This variant has not been reported in the literature in individuals affected with PLEKHM2-related conditions. Algorithms developed to predict the effect of missense changes on protein structure and function output the following: SIFT: "Not Available"; PolyPhen-2: "Benign"; Align-GVGD: "Not Available". The isoleucine amino acid residue is found in multiple mammalian species, which suggests that this missense change does not adversely affect protein function. In summary, the available evidence is currently insufficient to determine the role of this variant in disease. Therefore, it has been classified as a Variant of Uncertain Significance.

NM_015164.4(PLEKHM2):c.980G>T (p.Ser327Ile)

Gene: PLEKHM2 (pleckstrin homology and RUN domain containing M2; plus strand). Cytogenetic location: 1p36.21.
Variant type: single nucleotide variant.
Coding change: c.980G>T on transcript NM_015164.4 (MANE Select); coding-DNA position 980, G replaced by T.
Protein change: p.Ser327Ile; replaces serine 327 with isoleucine.
Molecular consequence: missense variant.
Genome position (GRCh38, 1-based): chr1:15,727,052, G>T. VCF-style: chr1-15727052-G-T. GRCh37 (hg19) VCF-style: chr1-16053547-G-T.
Other names: c.920G>T, p.Ser307Ile (NM_001410755.1); short protein forms S307I, S327I.
Identifiers: ClinVar variation 3003827 (VCV003003827.3), dbSNP rs777402211, ClinGen allele CA616819.
Genomic context (GRCh38, chr1:15,727,052, plus strand): 5'-CTCCCCGTCGTTACTGTCCCAGGGTCACCAAGAAGAAGAAAATTGGCAAGAAGAAAAAGA[G>T]CAGATCAGATGAGGAGGCAAGTCCACTCCACCCCGCCTGCAGCCAGAAGAAATGTGCCAA-3'
Protein context (NP_055979.2, residues 317-337): KKKKIGKKKK[Ser327Ile]RSDEEASPLH